The following is an entry in ClinVar:

NM_015021.3(ZNF292):c.872G>T (p.Cys291Phe)

Gene: ZNF292 (zinc finger protein 292; plus strand). Cytogenetic location: 6q14.3.
Variant type: single nucleotide variant.
Coding change: c.872G>T on transcript NM_015021.3 (MANE Select); coding-DNA position 872, G replaced by T.
Protein change: p.Cys291Phe; replaces cysteine 291 with phenylalanine.
Molecular consequence: missense variant.
Genome position (GRCh38, 1-based): chr6:87,243,605, G>T. VCF-style: chr6-87243605-G-T. GRCh37 (hg19) VCF-style: chr6-87953323-G-T.
Other names: c.452G>T, p.Cys151Phe (NM_001351444.2); short protein forms C151F, C291F.
Identifiers: ClinVar variation 3377962 (VCV003377962.1).
Genomic context (GRCh38, chr6:87,243,605, plus strand): 5'-GCGCTCTTGTTTTATGTACTGCGTTTTTGTCACGTCAGCTCCAACAAGGAGATATGTACT[G>T]CGCTTGGTGAGTTGATCTTTTTTTTTTTAAAGAAATATTTGTTAAATAAGAATGCAAAAT-3'
Protein context (NP_055836.1, residues 281-301): SRQLQQGDMY[Cys291Phe]AWELTLFWSK

ClinVar aggregate classification (germline): Uncertain significance (1 of 4 stars; one submission).

Submission:

GeneDx
Classification: Uncertain significance. Last evaluated: 2024-05-16. Review status: criteria provided, single submitter. Criteria: GeneDx Variant Classification Process June 2021. Collection method: clinical testing. Allele origin: germline. Affected: yes.
Comment: Not observed at significant frequency in large population cohorts (gnomAD); In silico analysis supports that this missense variant has a deleterious effect on protein structure/function; Has not been previously published as pathogenic or benign to our knowledge